The following is an entry in ClinVar:

ClinVar aggregate classification (germline): Uncertain significance (1 of 4 stars; one submission).

Submission:

GeneDx
Classification: Uncertain significance. Last evaluated: 2022-06-30. Review status: criteria provided, single submitter. Criteria: GeneDx Variant Classification Process June 2021. Collection method: clinical testing. Allele origin: germline. Affected: yes.
Comment: Not observed at significant frequency in large population cohorts (gnomAD); In silico analysis supports that this missense variant has a deleterious effect on protein structure/function; Has not been previously published as pathogenic or benign to our knowledge; Variants in candidate genes are classified as variants of uncertain significance in accordance with ACMG guidelines (Richards et al., 2015)

NM_018897.3(DNAH7):c.1925A>G (p.Tyr642Cys)

Gene: DNAH7 (dynein axonemal heavy chain 7; minus strand). Cytogenetic location: 2q32.3.
Variant type: single nucleotide variant.
Coding change: c.1925A>G on transcript NM_018897.3 (MANE Select); coding-DNA position 1925, A replaced by G.
Protein change: p.Tyr642Cys; replaces tyrosine 642 with cysteine.
Molecular consequence: missense variant.
Genome position (GRCh38, 1-based): chr2:195,972,375, T>C on the plus strand (A>G on the coding strand, the complement: DNAH7 is on the minus strand). VCF-style: chr2-195972375-T-C. GRCh37 (hg19) VCF-style: chr2-196837099-T-C.
Other names: short protein forms Y642C.
Identifiers: ClinVar variation 3342560 (VCV003342560.1).